The following is an entry in ClinVar:

NM_022173.4(TIA1):c.635G>T (p.Ser212Ile)

Gene: TIA1 (TIA1 cytotoxic granule associated RNA binding protein; minus strand). Cytogenetic location: 2p13.3.
Variant type: single nucleotide variant.
Coding change: c.635G>T on transcript NM_022173.4 (MANE Select); coding-DNA position 635, G replaced by T.
Protein change: p.Ser212Ile; replaces serine 212 with isoleucine.
Molecular consequence: missense variant. On other transcripts: non-coding transcript variant (17).
Genome position (GRCh38, 1-based): chr2:70,216,448, C>A on the plus strand (G>T on the coding strand, the complement: TIA1 is on the minus strand). VCF-style: chr2-70216448-C-A. GRCh37 (hg19) VCF-style: chr2-70443580-C-A.
Other names: c.635G>T, p.Ser212Ile (NM_001351508.2, NM_001351516.2); c.608G>T, p.Ser203Ile (NM_001351509.2); c.602G>T, p.Ser201Ile (NM_001351510.2, NM_022037.4); c.524G>T, p.Ser175Ile (NM_001351511.1); c.497G>T, p.Ser166Ile (NM_001351512.1); c.491G>T, p.Ser164Ile (NM_001351513.1); c.407G>T, p.Ser136Ile (NM_001351514.2); c.332G>T, p.Ser111Ile (NM_001351515.2); and 1 more; short protein forms S166I, S201I, S203I, S212I, S72I, S175I, S111I, S136I.
Identifiers: ClinVar variation 4740769 (VCV004740769.1).

ClinVar aggregate classification (germline): Uncertain significance (1 of 4 stars; one submission).

Conditions:
Welander distal myopathy (WDM). Also called: Gower's muscular dystrophy; Welander distal myopathy, Swedish type; Distal myopathy, Swedish type; MUSCULAR DYSTROPHY, DISTAL, LATE-ONSET, AUTOSOMAL DOMINANT. Identifiers: Orphanet 603, MedGen C0221054, MONDO:0011466, OMIM 604454.

gnomAD v4.1: 1 of 1,613,986 alleles (0.000062%); highest among the groups gnomAD compares: South Asian, 0.0011%; no homozygotes.

Submission:

Labcorp Genetics (formerly Invitae), Labcorp
Classification: Uncertain significance for Welander distal myopathy. Last evaluated: 2025-06-23. Review status: criteria provided, single submitter. Criteria: Invitae Variant Classification Sherloc (09022015). Collection method: clinical testing. Allele origin: germline.
Comment: This sequence change replaces serine, which is neutral and polar, with isoleucine, which is neutral and non-polar, at codon 212 of the TIA1 protein (p.Ser212Ile). This variant is not present in population databases (gnomAD no frequency). This variant has not been reported in the literature in individuals affected with TIA1-related conditions. Invitae Evidence Modeling of protein sequence and biophysical properties (such as structural, functional, and spatial information, amino acid conservation, physicochemical variation, residue mobility, and thermodynamic stability) indicates that this missense variant is not expected to disrupt TIA1 protein function with a negative predictive value of 80%. In summary, the available evidence is currently insufficient to determine the role of this variant in disease. Therefore, it has been classified as a Variant of Uncertain Significance.